The following is an entry in ClinVar:

ClinVar aggregate classification (germline): Uncertain significance. Review status: criteria provided, multiple submitters, no conflicts (2 of 4 stars). 2 submissions from 2 submitters: Uncertain significance (2). Last evaluated 2023-12-20.

Conditions:
Chédiak-Higashi syndrome (CHS). Also called: Chediak-Higashi Syndrome. Identifiers: Orphanet 167, MedGen C0007965, MONDO:0008963, OMIM 214500.
Inborn genetic diseases. Identifiers: MedGen C0950123, MeSH D030342.

Allele frequency attached by ClinVar (database versions not stated): TOPMed 0.00002; gnomAD 0.00004; gnomAD exomes 0.00006.
gnomAD v4.1: 96 of 1,614,000 alleles (0.0059%); highest among the groups gnomAD compares: Non-Finnish European, 0.008%; no homozygotes.

Submissions (2):

Ambry Genetics
Classification: Uncertain significance for Inborn genetic diseases. Last evaluated: 2023-12-20. Review status: criteria provided, single submitter. Criteria: Ambry Variant Classification Scheme 2023. Collection method: clinical testing. Allele origin: germline.

Labcorp Genetics (formerly Invitae), Labcorp
Classification: Uncertain significance for Chédiak-Higashi syndrome. Last evaluated: 2022-10-13. Review status: criteria provided, single submitter. Criteria: Invitae Variant Classification Sherloc (09022015). Collection method: clinical testing. Allele origin: germline.
Comment: This sequence change replaces serine, which is neutral and polar, with threonine, which is neutral and polar, at codon 2149 of the LYST protein (p.Ser2149Thr). This variant is present in population databases (rs756757873, gnomAD 0.002%). This variant has not been reported in the literature in individuals affected with LYST-related conditions. ClinVar contains an entry for this variant (Variation ID: 951589). Advanced modeling of protein sequence and biophysical properties (such as structural, functional, and spatial information, amino acid conservation, physicochemical variation, residue mobility, and thermodynamic stability) performed at Invitae indicates that this missense variant is not expected to disrupt LYST protein function. In summary, the available evidence is currently insufficient to determine the role of this variant in disease. Therefore, it has been classified as a Variant of Uncertain Significance.

NM_000081.4(LYST):c.6445T>A (p.Ser2149Thr)

Gene: LYST (lysosomal trafficking regulator; minus strand). Cytogenetic location: 1q42.3.
Variant type: single nucleotide variant.
Coding change: c.6445T>A on transcript NM_000081.4 (MANE Select); coding-DNA position 6445, T replaced by A.
Protein change: p.Ser2149Thr; replaces serine 2149 with threonine.
Molecular consequence: missense variant.
Genome position (GRCh38, 1-based): chr1:235,759,408, A>T on the plus strand (T>A on the coding strand, the complement: LYST is on the minus strand). VCF-style: chr1-235759408-A-T. GRCh37 (hg19) VCF-style: chr1-235922708-A-T.
Other names: c.6445T>A, p.Ser2149Thr (NM_001301365.1); c.6445T>A (NM_000081.2); short protein forms S2149T.
Identifiers: ClinVar variation 951589 (VCV000951589.4), dbSNP rs756757873, ClinGen allele CA39616216.